The following is an entry in ClinVar:

NM_000053.4(ATP7B):c.3725A>G (p.Glu1242Gly)

Gene: ATP7B (ATPase copper transporting beta; minus strand). Cytogenetic location: 13q14.3.
Variant type: single nucleotide variant.
Coding change: c.3725A>G on transcript NM_000053.4 (MANE Select); coding-DNA position 3725, A replaced by G.
Protein change: p.Glu1242Gly; replaces glutamic acid 1242 with glycine.
Molecular consequence: missense variant. On other transcripts: intron variant (1).
Genome position (GRCh38, 1-based): chr13:51,937,654, T>C on the plus strand (A>G on the coding strand, the complement: ATP7B is on the minus strand). VCF-style: chr13-51937654-T-C. GRCh37 (hg19) VCF-style: chr13-52511790-T-C.
Other names: c.3104A>G, p.Glu1035Gly (NM_001005918.3); c.3392A>G, p.Glu1131Gly (NM_001243182.2); c.3491A>G, p.Glu1164Gly (NM_001330578.2, NM_001406527.1, NM_001406528.1); c.3473A>G, p.Glu1158Gly (NM_001330579.2, NM_001406531.1, NM_001406532.1); c.3725A>G, p.Glu1242Gly (NM_001406511.1, NM_001406512.1); c.3719A>G, p.Glu1240Gly (NM_001406513.1); c.3548A>G, p.Glu1183Gly (NM_001406524.1); c.3530A>G, p.Glu1177Gly (NM_001406525.1); and 21 more; short protein forms E1015G, E1026G, E1035G, E1048G, E1078G, E1080G, E1093G, E1099G.
Identifiers: ClinVar variation 3234645 (VCV003234645.20), dbSNP rs1348993617, ClinGen allele CA388022500.

ClinVar aggregate classification (germline): Uncertain significance (1 of 4 stars; one submission).

Submission:

CeGaT Center for Human Genetics Tuebingen
Classification: Uncertain significance. Last evaluated: 2024-04-01. Review status: criteria provided, single submitter. Criteria: CeGaT Center For Human Genetics Tuebingen Variant Classification Criteria Version 2. Collection method: clinical testing. Allele origin: germline. Affected: yes. Observed: 1 variant allele.
Comment: ATP7B: PM2, PM5